The following is an entry in ClinVar:

NM_152305.3(POGLUT1):c.292C>G (p.Arg98Gly)

Gene: POGLUT1 (protein O-glucosyltransferase 1; plus strand). Cytogenetic location: 3q13.33.
Variant type: single nucleotide variant.
Coding change: c.292C>G on transcript NM_152305.3 (MANE Select); coding-DNA position 292, C replaced by G.
Protein change: p.Arg98Gly; replaces arginine 98 with glycine.
Molecular consequence: missense variant. On other transcripts: non-coding transcript variant (1).
Genome position (GRCh38, 1-based): chr3:119,471,424, C>G. VCF-style: chr3-119471424-C-G. GRCh37 (hg19) VCF-style: chr3-119190271-C-G.
Other names: c.292C>G, p.Arg98Gly (NM_020231.3); short protein forms R98G.
Identifiers: ClinVar variation 2893120 (VCV002893120.3), dbSNP rs762277732, ClinGen allele CA2554794.

ClinVar aggregate classification (germline): Uncertain significance (1 of 4 stars; one submission).

gnomAD v4.1: 8 of 1,613,774 alleles (0.0005%); highest among the groups gnomAD compares: African/African-American, 0.0093%; no homozygotes.

Submission:

Labcorp Genetics (formerly Invitae), Labcorp
Classification: Uncertain significance. Last evaluated: 2025-01-14. Review status: criteria provided, single submitter. Criteria: Invitae Variant Classification Sherloc (09022015). Collection method: clinical testing. Allele origin: germline.
Comment: This sequence change replaces arginine, which is basic and polar, with glycine, which is neutral and non-polar, at codon 98 of the POGLUT1 protein (p.Arg98Gly). This variant is present in population databases (rs762277732, gnomAD 0.01%). This variant has not been reported in the literature in individuals affected with POGLUT1-related conditions. ClinVar contains an entry for this variant (Variation ID: 2893120). Invitae Evidence Modeling of protein sequence and biophysical properties (such as structural, functional, and spatial information, amino acid conservation, physicochemical variation, residue mobility, and thermodynamic stability) indicates that this missense variant is expected to disrupt POGLUT1 protein function with a positive predictive value of 80%. This variant disrupts the p.Arg98 amino acid residue in POGLUT1. Other variant(s) that disrupt this residue have been determined to be pathogenic (PMID: 31897643). This suggests that this residue is clinically significant, and that variants that disrupt this residue are likely to be disease-causing. In summary, the available evidence is currently insufficient to determine the role of this variant in disease. Therefore, it has been classified as a Variant of Uncertain Significance.

Literature cited by the submitters: PubMed 31897643.